The following is an entry in ClinVar:

NM_001165963.4(SCN1A):c.5481del (p.Lys1827fs)

Genes: SCN1A (sodium voltage-gated channel alpha subunit 1; minus strand), LOC102724058 (uncharacterized LOC102724058; plus strand). Cytogenetic location: 2q24.3.
Variant type: Deletion.
Coding change: c.5481del on transcript NM_001165963.4 (MANE Select); coding-DNA position 5481, one base deleted (A; older notation c.5481delA).
Protein change: p.Lys1827fs; shifts the reading frame from lysine 1827.
Molecular consequence: frameshift variant. On other transcripts: non-coding transcript variant (1).
Genome position (GRCh38, 1-based): chr2:165,991,794, T deleted on the plus strand (A on the coding strand, the reverse complement: SCN1A is on the minus strand); the first of 5 consecutive T bases (chr2:165,991,794-165,991,798); deleting any one gives the same sequence. VCF-style (leftmost placement, unchanged base first): chr2-165991793-AT-A. GRCh37 (hg19) VCF-style: chr2-166848303-AT-A.
Other names: c.5397del, p.Lys1799fs (NM_001165964.3, NM_001353957.2, NM_001353958.2); c.5481del, p.Lys1827fs (NM_001202435.3, NM_001353948.2); c.5448del, p.Lys1816fs (NM_001353949.2, NM_001353950.2, NM_001353951.2 and 2 more transcripts); c.5445del, p.Lys1815fs (NM_001353954.2, NM_001353955.2); c.5394del, p.Lys1798fs (NM_001353960.2); c.3039del, p.Lys1013fs (NM_001353961.2); short protein forms K1815fs, K1816fs, K1013fs, K1798fs, K1799fs, K1827fs.
Identifiers: ClinVar variation 2907322 (VCV002907322.3), dbSNP rs2468331199, ClinGen allele CA2586970256.
Genomic context (GRCh38, chr2:165,991,793, plus strand): 5'-GGAGTTTGTTTGGTTGTGGCAGATTGAGAGGCGGTTCAAGCGCAGCTGCAAACTGAGATA[AT>A]TTTTCAAATTCCATGAACTGAGTTGCATCGGGATCAAACTTCTCCCAAACCTCATAGAAC-3'

ClinVar aggregate classification (germline): Pathogenic (1 of 4 stars; one submission).

Conditions:
Early-infantile DEE. Also called: Early infantile epileptic encephalopathy; Ohtahara syndrome; Early infantile epileptic encephalopathy with suppression bursts. Identifiers: Orphanet 1934, MedGen C0393706, MONDO:0800491.

Submission:

Labcorp Genetics (formerly Invitae), Labcorp
Classification: Pathogenic for Early-infantile DEE. Last evaluated: 2023-07-17. Review status: criteria provided, single submitter. Criteria: Invitae Variant Classification Sherloc (09022015). Collection method: clinical testing. Allele origin: germline.
Comment: For these reasons, this variant has been classified as Pathogenic. This variant disrupts a region of the SCN1A protein in which other variant(s) (p.Arg1912*) have been determined to be pathogenic (PMID: 14738421, 20522430, 23195492; Invitae). This suggests that this is a clinically significant region of the protein, and that variants that disrupt it are likely to be disease-causing. This premature translational stop signal has been observed in individual(s) with SCN1A-related conditions (PMID: 31487502). In at least one individual the variant was observed to be de novo. This variant is not present in population databases (gnomAD no frequency). This sequence change creates a premature translational stop signal (p.Lys1827Asnfs*31) in the SCN1A gene. While this is not anticipated to result in nonsense mediated decay, it is expected to disrupt the last 183 amino acid(s) of the SCN1A protein.

Literature cited by the submitters: PubMed 14738421; PubMed 20522430; PubMed 23195492; PubMed 31487502.